The following is an entry in ClinVar:

NM_001277115.2(DNAH11):c.10396G>A (p.Ala3466Thr)

Gene: DNAH11 (dynein axonemal heavy chain 11; plus strand). Cytogenetic location: 7p15.3.
Variant type: single nucleotide variant.
Coding change: c.10396G>A on transcript NM_001277115.2 (MANE Select); coding-DNA position 10396, G replaced by A.
Protein change: p.Ala3466Thr; replaces alanine 3466 with threonine.
Molecular consequence: missense variant.
Genome position (GRCh38, 1-based): chr7:21,816,530, G>A. VCF-style: chr7-21816530-G-A. GRCh37 (hg19) VCF-style: chr7-21856148-G-A.
Other names: p.Ala3466Thr; short protein forms A3466T.
Identifiers: ClinVar variation 4541265 (VCV004541265.1).

ClinVar aggregate classification (germline): Uncertain significance (1 of 4 stars; one submission).

Submission:

Mayo Clinic Laboratories, Mayo Clinic
Classification: Uncertain significance. Last evaluated: 2025-01-18. Review status: criteria provided, single submitter. Criteria: ACMG Guidelines, 2015. Collection method: clinical testing. Allele origin: germline. Observed: 1 variant allele.
Comment: PM2_supporting